The following is an entry in ClinVar:

NM_000161.3(GCH1):c.614T>A (p.Val205Glu)

Gene: GCH1 (GTP cyclohydrolase 1; minus strand). Cytogenetic location: 14q22.2.
Variant type: single nucleotide variant.
Coding change: c.614T>A on transcript NM_000161.3 (MANE Select); coding-DNA position 614, T replaced by A.
Protein change: p.Val205Glu; replaces valine 205 with glutamic acid.
Molecular consequence: missense variant.
Genome position (GRCh38, 1-based): chr14:54,845,780, A>T on the plus strand (T>A on the coding strand, the complement: GCH1 is on the minus strand). VCF-style: chr14-54845780-A-T. GRCh37 (hg19) VCF-style: chr14-55312498-A-T.
Other names: c.614T>A, p.Val205Glu (NM_001024024.2, NM_001024070.2, NM_001024071.2); short protein forms V205E.
Identifiers: ClinVar variation 574828 (VCV000574828.21), dbSNP rs1418922853, ClinGen allele CA389787285.

ClinVar aggregate classification (germline): Pathogenic/Likely pathogenic. Review status: criteria provided, multiple submitters, no conflicts (2 of 4 stars). 6 submissions from 6 submitters: Pathogenic (4); Likely pathogenic (1). 1 of the submissions does not count toward it. Last evaluated 2026-01-13.

Conditions:
GCH1-related disorder. Also called: GCH1-related condition.
GTP cyclohydrolase I deficiency. Identifiers: MedGen C0268467, MONDO:0100184.
Dystonia 5 (DRD). Also called: DYT-GCH1; Dystonia, DOPA-responsive, with or without hyperphenylalaninemia; DYSTONIA, PROGRESSIVE, WITH DIURNAL VARIATION; DYSTONIA-PARKINSONISM WITH DIURNAL FLUCTUATION; GTP Cyclohydrolase 1-Deficient Dopa-Responsive Dystonia. Identifiers: Orphanet 98808, MedGen C1851920, MONDO:0007495, OMIM 128230.

gnomAD v4.1: 1 of 1,596,504 alleles (0.000063%); highest among the groups gnomAD compares: Non-Finnish European, 0.000086%; no homozygotes.

Submissions (6):

Labcorp Genetics (formerly Invitae), Labcorp
Classification: Pathogenic for GTP cyclohydrolase I deficiency; Dystonia 5. Last evaluated: 2026-01-13. Review status: criteria provided, single submitter. Criteria: Invitae Variant Classification Sherloc (09022015). Collection method: clinical testing. Allele origin: germline.
Comment: This sequence change replaces valine, which is neutral and non-polar, with glutamic acid, which is acidic and polar, at codon 205 of the GCH1 protein (p.Val205Glu). This variant is not present in population databases (gnomAD no frequency). This missense change has been observed in individuals with dopa-responsive dystonia (PMID: 10496263; internal data). ClinVar contains an entry for this variant (Variation ID: 574828). Invitae Evidence Modeling of protein sequence and biophysical properties (such as structural, functional, and spatial information, amino acid conservation, physicochemical variation, residue mobility, and thermodynamic stability) indicates that this missense variant is expected to disrupt GCH1 protein function with a positive predictive value of 80%. Experimental studies have shown that this missense change affects GCH1 function (PMID: 10496263). This variant disrupts the p.Val205 amino acid residue in GCH1. Other variant(s) that disrupt this residue have been determined to be pathogenic (PMID: 15303002, 20842687). This suggests that this residue is clinically significant, and that variants that disrupt this residue are likely to be disease-causing. For these reasons, this variant has been classified as Pathogenic.

Women's Health and Genetics/Laboratory Corporation of America, LabCorp
Classification: Pathogenic for GTP cyclohydrolase I deficiency. Last evaluated: 2025-08-15. Review status: criteria provided, single submitter. Criteria: LabCorp Variant Classification Summary - May 2015. Collection method: clinical testing. Allele origin: germline.
Comment: Variant summary: GCH1 c.614T>A (p.Val205Glu) results in a non-conservative amino acid change located in the GTP cyclohydrolase I domain (IPR020602) of the encoded protein sequence. Algorithms developed to predict the effect of missense changes on protein structure and function all suggest that this variant is likely to be disruptive. The variant was absent in 251260 control chromosomes. c.614T>A has been observed in individual(s) affected with GTP Cyclohydrolase I Deficiency. These data indicate that the variant is likely to be associated with disease. At least one publication reports experimental evidence evaluating an impact on protein function. The most pronounced variant effect results in 10%-<30% of normal activity. The following publications have been ascertained in the context of this evaluation (PMID: 10496263, 34054692, 22373569, 17101830, 15852365, 33713342). ClinVar contains an entry for this variant (Variation ID: 574828). Based on the evidence outlined above, the variant was classified as pathogenic.

Athena Diagnostics
Classification: Pathogenic. Last evaluated: 2024-11-15. Review status: criteria provided, single submitter. Criteria: Athena Diagnostics Criteria. Collection method: clinical testing. Allele origin: unknown.
Comment: This variant has not been reported in large, multi-ethnic general populations. This variant has been identified in at least one individual with dopa-responsive dystonia. This variant segregates with disease in multiple families. Assessment of experimental evidence suggests this variant results in abnormal protein function. (PMID: 10496263)

GeneDx
Classification: Pathogenic. Last evaluated: 2023-10-03. Review status: criteria provided, single submitter. Criteria: GeneDx Variant Classification Process June 2021. Collection method: clinical testing. Allele origin: germline. Affected: yes.
Comment: Published functional studies demonstrate that V205E reduces the catalytic activity of the resulting enzyme by 25% compared to normal (PMID: 10496263); Not observed at significant frequency in large population cohorts (gnomAD); In silico analysis supports that this missense variant has a deleterious effect on protein structure/function; This variant is associated with the following publications: (PMID: 22373569, 10496263, 20842687, 15303002, 12874420, 34054692, 33713342)

Blueprint Genetics
Classification: Likely pathogenic for GCH1-related disorders. Last evaluated: 2020-12-19. Review status: criteria provided, single submitter. Criteria: ACMG Guidelines, 2015. Collection method: clinical testing. Allele origin: germline. Affected: yes. Observed: 2 variant alleles.

PreventionGenetics, part of Exact Sciences
Classification: Pathogenic for GCH1-related condition. Last evaluated: 2024-08-26. Review status: no assertion criteria provided. Collection method: clinical testing. Allele origin: germline. Not counted in ClinVar's aggregate classification.
Comment: The GCH1 c.614T>A variant is predicted to result in the amino acid substitution p.Val205Glu. This variant has been reported in the heterozygous state in several patients with dopa-responsive dystonia (Furakawa et al. 1999. PubMed ID: 10496263; Furukawa et al. 2003. PubMed ID: 12874420; Li et al. 2021. PubMed ID: 34054692). It has also been described in a patient with hereditary spastic paraplegia (Varghaei et al. 2021. PubMed ID: 33713342). Functional studies showed that this variant reduced enzyme activity (Furukawa et al. 2003. PubMed ID: 12874420). This variant has not been reported in a large population database, indicating it is rare. A different substitution involving the same amino acid (p.Val205Gly) has also been reported to be pathogenic (Garavaglia et al. 2004. PubMed ID: 15303002; Bodzioch et al. 2011. PubMed ID: 20842687). This variant is interpreted as pathogenic.

Literature cited by the submitters: PubMed 10496263 (cited by 3 submitters); PubMed 15303002 (cited by Labcorp Genetics (formerly Invitae), Labcorp); PubMed 20842687 (cited by Labcorp Genetics (formerly Invitae), Labcorp); PubMed 34054692 (cited by Women's Health and Genetics/Laboratory Corporation of America, LabCorp); PubMed 22373569 (cited by Women's Health and Genetics/Laboratory Corporation of America, LabCorp); PubMed 17101830 (cited by Women's Health and Genetics/Laboratory Corporation of America, LabCorp); PubMed 15852365 (cited by Women's Health and Genetics/Laboratory Corporation of America, LabCorp); PubMed 33713342 (cited by Women's Health and Genetics/Laboratory Corporation of America, LabCorp); PubMed 12874420 (cited by Athena Diagnostics).